The following is an entry in ClinVar:

ClinVar aggregate classification (germline): Uncertain significance (1 of 4 stars; one submission).

Conditions:
Left ventricular noncompaction 8 (LVNC8). Identifiers: Orphanet 154, Orphanet 54260, MedGen C3809288, MONDO:0014152, OMIM 615373.

Submission:

Labcorp Genetics (formerly Invitae), Labcorp
Classification: Uncertain significance for Left ventricular noncompaction 8. Last evaluated: 2018-06-21. Review status: criteria provided, single submitter. Criteria: Invitae Variant Classification Sherloc (09022015). Collection method: clinical testing. Allele origin: germline.
Comment: In summary, the available evidence is currently insufficient to determine the role of this variant in disease. Therefore, it has been classified as a Variant of Uncertain Significance. Experimental studies and prediction algorithms are not available for this variant, and the functional significance of the deleted amino acid is currently unknown. This variant has not been reported in the literature in individuals with PRDM16-related disease. This variant is present in population databases (rs752491979, ExAC 0.003%). This variant, c.51_53delTGT, results in the deletion of 1 amino acid of the PRDM16 protein (p.Val18del), but otherwise preserves the integrity of the reading frame.

NM_022114.4(PRDM16):c.51_53del (p.Val18del)

Gene: PRDM16 (PR/SET domain 16; plus strand). Cytogenetic location: 1p36.32.
Variant type: Deletion.
Coding change: c.51_53del on transcript NM_022114.4 (MANE Select); coding-DNA positions 51 to 53, 3 bases deleted (TGT; older notation c.51_53delTGT).
Protein change: p.Val18del; deletes valine 18.
Molecular consequence: inframe deletion.
Genome position (GRCh38, 1-based): chr1:3,186,138-3,186,140, TGT deleted; deleting any 3 consecutive bases within chr1:3,186,136-3,186,140 gives the same sequence; the c. name uses the placement nearest the transcript's 3' end. VCF-style (leftmost placement, unchanged base first): chr1-3186135-CGTT-C. GRCh37 (hg19) VCF-style: chr1-3102699-CGTT-C.
Other names: c.51_53del, p.Val18del (NM_199454.3); short protein forms V18del.
Identifiers: ClinVar variation 569498 (VCV000569498.8), dbSNP rs752491979, ClinGen allele CA543681.